The following is an entry in ClinVar:

NM_003476.5(CSRP3):c.282-16C>A

Gene: CSRP3 (cysteine and glycine rich protein 3; minus strand). Cytogenetic location: 11p15.1.
Variant type: single nucleotide variant.
Coding change: c.282-16C>A on transcript NM_003476.5 (MANE Select); 16 bases into the intron before coding-DNA position 282, C replaced by A.
Molecular consequence: intron variant.
Genome position (GRCh38, 1-based): chr11:19,186,364, G>T on the plus strand (C>A on the coding strand, the complement: CSRP3 is on the minus strand). VCF-style: chr11-19186364-G-T. GRCh37 (hg19) VCF-style: chr11-19207911-G-T.
Other names: c.113-16C>A (NM_001369404.1).
Identifiers: ClinVar variation 511670 (VCV000511670.5), dbSNP rs757074408, ClinGen allele CA5916585.

ClinVar aggregate classification (germline): Likely benign. Review status: criteria provided, multiple submitters, no conflicts (2 of 4 stars). 2 submissions from 2 submitters: Likely benign (2). Last evaluated 2025-12-29.

Conditions:
Hypertrophic cardiomyopathy 12. Identifiers: MedGen C2677491, MONDO:0012804, OMIM 612124.
Dilated cardiomyopathy 1M (CMD1M). Identifiers: Orphanet 154, MedGen C1843808, MONDO:0011840, OMIM 607482.

Allele frequency attached by ClinVar (database versions not stated): ExAC 0.00001; gnomAD 0.00003; TOPMed 0.00001.
gnomAD v4.1: 11 of 1,614,058 alleles (0.00068%); highest among the groups gnomAD compares: Non-Finnish European, 0.00093%; no homozygotes.

Submissions (2):

Labcorp Genetics (formerly Invitae), Labcorp
Classification: Likely benign for Hypertrophic cardiomyopathy 12; Dilated cardiomyopathy 1M. Last evaluated: 2025-12-29. Review status: criteria provided, single submitter. Criteria: Invitae Variant Classification Sherloc (09022015). Collection method: clinical testing. Allele origin: germline.

GeneDx
Classification: Likely benign. Last evaluated: 2017-08-24. Review status: criteria provided, single submitter. Criteria: GeneDx Variant Classification (06012015). Collection method: clinical testing. Allele origin: germline. Affected: yes.
Comment: This variant is considered likely benign or benign based on one or more of the following criteria: it is a conservative change, it occurs at a poorly conserved position in the protein, it is predicted to be benign by multiple in silico algorithms, and/or has population frequency not consistent with disease.